The following is an entry in ClinVar:

NM_031844.3(HNRNPU):c.373_374delinsCC (p.Glu125Pro)

Gene: HNRNPU (heterogeneous nuclear ribonucleoprotein U; minus strand). Cytogenetic location: 1q44.
Variant type: Indel.
Coding change: c.373_374delinsCC on transcript NM_031844.3 (MANE Select); coding-DNA positions 373 to 374, GA replaced by CC.
Protein change: p.Glu125Pro; replaces glutamic acid 125 with proline.
Molecular consequence: missense variant.
Genome position (GRCh38, 1-based): chr1:244,863,934-244,863,935, TC replaced by GG on the plus strand (GA replaced by CC on the coding strand, the reverse complement: HNRNPU is on the minus strand). VCF-style: chr1-244863934-TC-GG. GRCh37 (hg19) VCF-style: chr1-245027236-TC-GG.
Other names: c.373_374delinsCC, p.Glu125Pro (NM_004501.3); short protein forms E125P.
Identifiers: ClinVar variation 3342233 (VCV003342233.16).

ClinVar aggregate classification (germline): Likely benign (1 of 4 stars; one submission).

Submission:

CeGaT Center for Human Genetics Tuebingen
Classification: Likely benign. Last evaluated: 2024-08-01. Review status: criteria provided, single submitter. Criteria: CeGaT Center For Human Genetics Tuebingen Variant Classification Criteria Version 2. Collection method: clinical testing. Allele origin: germline. Affected: yes. Observed: 1 variant allele.
Comment: HNRNPU: BS2